The following is an entry in ClinVar:

NM_000238.4(KCNH2):c.2588G>A (p.Arg863Gln)

Gene: KCNH2 (potassium voltage-gated channel subfamily H member 2; minus strand). Cytogenetic location: 7q36.1.
Variant type: single nucleotide variant.
Coding change: c.2588G>A on transcript NM_000238.4 (MANE Select); coding-DNA position 2588, G replaced by A.
Protein change: p.Arg863Gln; replaces arginine 863 with glutamine.
Molecular consequence: missense variant.
Genome position (GRCh38, 1-based): chr7:150,948,860, C>T on the plus strand (G>A on the coding strand, the complement: KCNH2 is on the minus strand). VCF-style: chr7-150948860-C-T. GRCh37 (hg19) VCF-style: chr7-150645948-C-T.
Other names: c.2588G>A (NM_000238.2); c.1568G>A, p.Arg523Gln (NM_172057.3); short protein forms R523Q, R863Q.
Identifiers: ClinVar variation 1026816 (VCV001026816.17), dbSNP rs939435672, ClinGen allele CA169074695.

ClinVar aggregate classification (germline): Uncertain significance. Review status: criteria provided, multiple submitters, no conflicts (2 of 4 stars). 5 submissions from 5 submitters: Uncertain significance (5). Last evaluated 2026-04-01.

Conditions:
Long QT syndrome (LQTS). Identifiers: MedGen C0023976, MeSH D008133, MONDO:0002442. Disease mechanism: loss of function. Inheritance: Various modes of inheritance.
Cardiovascular phenotype. Identifiers: MedGen CN230736.
Long QT syndrome 2 (LQT2). Identifiers: Orphanet 101016, Orphanet 768, MedGen C3150943, MONDO:0013367, OMIM 613688.

Allele frequency attached by ClinVar (database versions not stated): gnomAD 0.00001; TOPMed below 0.00001.
gnomAD v4.1: 1 of 1,614,046 alleles (0.000062%); highest among the groups gnomAD compares: Non-Finnish European, 0.000085%; no homozygotes.

Submissions (5):

GeneDx
Classification: Uncertain significance. Last evaluated: 2026-04-01. Review status: criteria provided, single submitter. Criteria: GeneDx Variant Classification Process June 2021. Collection method: clinical testing. Allele origin: germline.
Comment: Not observed at significant frequency in large population cohorts (gnomAD); In silico analysis supports that this missense variant has a deleterious effect on protein structure/function; This variant is associated with the following publications: (PMID: 20851114, 23631430, 36578016, 32383558)

Labcorp Genetics (formerly Invitae), Labcorp
Classification: Uncertain significance for Long QT syndrome. Last evaluated: 2025-06-22. Review status: criteria provided, single submitter. Criteria: Invitae Variant Classification Sherloc (09022015). Collection method: clinical testing. Allele origin: germline.
Comment: This sequence change replaces arginine, which is basic and polar, with glutamine, which is neutral and polar, at codon 863 of the KCNH2 protein (p.Arg863Gln). This variant is not present in population databases (gnomAD no frequency). This missense change has been observed in individuals with long QT Syndrome (PMID: 23631430, 32383558; internal data). ClinVar contains an entry for this variant (Variation ID: 1026816). An algorithm developed to predict the effect of missense changes on protein structure and function (PolyPhen-2) suggests that this variant is likely to be disruptive. In summary, the available evidence is currently insufficient to determine the role of this variant in disease. Therefore, it has been classified as a Variant of Uncertain Significance.

Victorian Clinical Genetics Services, Murdoch Childrens Research Institute
Classification: Uncertain significance for Long QT syndrome 2. Last evaluated: 2024-10-11. Review status: criteria provided, single submitter. Criteria: ACMG Guidelines, 2015. Collection method: clinical testing. Allele origin: germline. Inheritance: Autosomal dominant inheritance. Affected: yes.
Comment: Based on the classification scheme VCGS_Germline_v1.3.4, this variant is classified as a VUS-3A. Following criteria are met: 0103 - Dominant negative and loss of function are known mechanisms of disease in this gene and are associated with long QT syndrome 2 (MIM#613688). Gain of function is also a known mechanism associated with short QT syndrome 1 (MIM#609620) (OMIM, PMID: 10753933; PMID: 21777565). (I) 0107 - This gene is associated with autosomal dominant disease. (I) 0112 - The condition associated with this gene has incomplete penetrance (PMID: 20301308). (I) 0200 - Variant is predicted to result in a missense amino acid change from arginine to glutamine. (I) 0251 - Variant is heterozygous. (I) 0302 - Variant is present in gnomAD (v4) <0.001 for a dominant condition (1 heterozygote, 0 homozygotes). (SP) 0502 - Missense variant with conflicting in silico predictions and uninformative conservation. (I) 0600 - Variant is located in the annotated C-terminal domain (DECIPHER). Additionally, the Arg863 residue has been reported to form a functional salt-bridge with the Glu807 residue (PMID: 32191791). (I) 0705 - No comparable variants have previous evidence for pathogenicity. (I) 0808 - Previous reports of pathogenicity for this variant are conflicting. This variant has been reported in two individuals with long QT syndrome and classified as a VUS and a mutation (PMIDs: 23631430, 32383558, 20851114). Additionally, multiple clinical testing laboratories have classified this variant as a VUS (ClinVar). (I) 0905 - No segregation evidence has been identified for this variant. (I) 1010 - Functional evidence for this variant is inconclusive. Patch clamp functional studies have shown that this variant reduces the channel current density by 50% compared to wild-type (Victor Chang Cardiac Institute personal communication). (I) Legend: (SP) - Supporting pathogenic, (I) - Information, (SB) - Supporting benign

All of Us Research Program, National Institutes of Health
Classification: Uncertain significance for Long QT syndrome. Last evaluated: 2023-09-04. Review status: criteria provided, single submitter. Criteria: ACMG Guidelines, 2015. Collection method: clinical testing. Allele origin: germline. Inheritance: Autosomal dominant inheritance. Observed: 1 variant allele, 1 heterozygote.
Comment: This missense variant replaces arginine with glutamine at codon 863 of the KCNH2 protein. Computational prediction suggests that this variant may have deleterious impact on protein structure and function (internally defined REVEL score threshold >= 0.7, PMID: 27666373). This variant is found within a highly conserved region (a.a. 843-1159) of the C-terminal cytoplasmic domain (a.a. 612-632). Rare non-truncating variants in this region have been shown to be significantly overrepresented in individuals with long QT syndrome (PMID: 32893267). To our knowledge, functional studies have not been reported for this variant. This variant has been reported in an individual affected with long QT syndrome and in another individual suspected of having long QT syndrome (PMID: 20851114, 32383558). This variant has not been identified in the general population by the Genome Aggregation Database (gnomAD). The available evidence is insufficient to determine the role of this variant in disease conclusively. Therefore, this variant is classified as a Variant of Uncertain Significance.

This study involves interpretation of variants in research participants for the purpose of population health screening. Participant phenotype was not available at the time of variant classification. Additional details can be found in publication PMID: 35346344, PMCID: PMC8962531

Ambry Genetics
Classification: Uncertain significance for Cardiovascular phenotype. Last evaluated: 2020-03-25. Review status: criteria provided, single submitter. Criteria: Ambry Variant Classification Scheme 2023. Collection method: clinical testing. Allele origin: germline.
Comment: The p.R863Q variant (also known as c.2588G>A), located in coding exon 10 of the KCNH2 gene, results from a G to A substitution at nucleotide position 2588. The arginine at codon 863 is replaced by glutamine, an amino acid with highly similar properties, and is located in the C-terminal, cytoplasmic region of the protein. This amino acid position is highly conserved in available vertebrate species. In addition, this alteration is predicted to be deleterious by in silico analysis. Since supporting evidence is limited at this time, the clinical significance of this alteration remains unclear.

Literature cited by the submitters: PubMed 23631430 (cited by Labcorp Genetics (formerly Invitae), Labcorp and Victorian Clinical Genetics Services, Murdoch Childrens Research Institute); PubMed 32383558 (cited by 3 submitters); PubMed 10753933 (cited by Victorian Clinical Genetics Services, Murdoch Childrens Research Institute); PubMed 20301308 (cited by Victorian Clinical Genetics Services, Murdoch Childrens Research Institute); PubMed 20851114 (cited by Victorian Clinical Genetics Services, Murdoch Childrens Research Institute and All of Us Research Program, National Institutes of Health); PubMed 21777565 (cited by Victorian Clinical Genetics Services, Murdoch Childrens Research Institute); PubMed 32191791 (cited by Victorian Clinical Genetics Services, Murdoch Childrens Research Institute); PubMed 32893267 (cited by All of Us Research Program, National Institutes of Health).